The following is an entry in ClinVar:

NM_182643.3(DLC1):c.2214G>A (p.Thr738=)

Gene: DLC1 (DLC1 Rho GTPase activating protein; minus strand). Cytogenetic location: 8p22.
Variant type: single nucleotide variant.
Coding change: c.2214G>A on transcript NM_182643.3 (MANE Select); coding-DNA position 2214, G replaced by A.
Protein change: p.Thr738=; no amino-acid change (threonine 738 retained).
Molecular consequence: synonymous variant.
Genome position (GRCh38, 1-based): chr8:13,100,123, C>T on the plus strand (G>A on the coding strand, the complement: DLC1 is on the minus strand). VCF-style: chr8-13100123-C-T. GRCh37 (hg19) VCF-style: chr8-12957632-C-T.
Other names: c.681G>A, p.Thr227= (NM_001164271.2, NM_001348082.2, NM_001348083.1 and 6 more transcripts); c.1005G>A, p.Thr335= (NM_001316668.2, NM_001413129.1); c.2214G>A, p.Thr738= (NM_001348081.2, NM_001413124.1); c.996G>A, p.Thr332= (NM_001413130.1); c.654G>A, p.Thr218= (NM_001413131.1, NM_001413137.1); c.1140G>A, p.Thr380= (NM_001413132.1); c.903G>A, p.Thr301= (NM_001413135.1, NM_001413136.1, NM_001413139.1 and 1 more transcripts); c.1038G>A, p.Thr346= (NM_001413140.1).
Identifiers: ClinVar variation 3051377 (VCV003051377.3), dbSNP rs770565565, ClinGen allele CA4638681.

ClinVar aggregate classification (germline): Likely benign. Review status: criteria provided, single submitter (1 of 4 stars). 2 submissions from 2 submitters: Likely benign (1). 1 of the submissions does not count toward it. Last evaluated 2024-08-01.

Conditions:
DLC1-related disorder. Also called: DLC1-related condition.

gnomAD v4.1: 43 of 1,613,972 alleles (0.0027%); highest among the groups gnomAD compares: Middle Eastern, 0.28%; no homozygotes.

Submissions (2):

Blueprint Genetics
Classification: Likely benign. Last evaluated: 2024-08-01. Review status: criteria provided, single submitter. Criteria: ACMG Guidelines, 2015. Collection method: clinical testing. Allele origin: germline.

PreventionGenetics, part of Exact Sciences
Classification: Likely benign for DLC1-related condition. Last evaluated: 2020-02-28. Review status: no assertion criteria provided. Collection method: clinical testing. Allele origin: germline. Not counted in ClinVar's aggregate classification.
Comment: This variant is classified as likely benign based on ACMG/AMP sequence variant interpretation guidelines (Richards et al. 2015 PMID: 25741868, with internal and published modifications).